The following is an entry in ClinVar:

NM_001035.3(RYR2):c.9950C>T (p.Thr3317Ile)

Gene: RYR2 (ryanodine receptor 2; plus strand). Cytogenetic location: 1q43.
Variant type: single nucleotide variant.
Coding change: c.9950C>T on transcript NM_001035.3 (MANE Select); coding-DNA position 9950, C replaced by T.
Protein change: p.Thr3317Ile; replaces threonine 3317 with isoleucine.
Molecular consequence: missense variant.
Genome position (GRCh38, 1-based): chr1:237,708,906, C>T. VCF-style: chr1-237708906-C-T. GRCh37 (hg19) VCF-style: chr1-237872206-C-T.
Other names: short protein forms T3317I.
Identifiers: ClinVar variation 3633824 (VCV003633824.2).

ClinVar aggregate classification (germline): Uncertain significance (1 of 4 stars; one submission).

Conditions:
Catecholaminergic polymorphic ventricular tachycardia 1. Also called: VENTRICULAR TACHYCARDIA, CATECHOLAMINERGIC POLYMORPHIC, 1, WITH OR WITHOUT ATRIAL DYSFUNCTION AND/OR DILATED CARDIOMYOPATHY; RYR2-Related Catecholaminergic Polymorphic Ventricular Tachycardia; VENTRICULAR TACHYCARDIA, STRESS-INDUCED POLYMORPHIC 1. Identifiers: Orphanet 3286, MedGen C1631597, MONDO:0011484, OMIM 604772.

Submission:

Labcorp Genetics (formerly Invitae), Labcorp
Classification: Uncertain significance for Catecholaminergic polymorphic ventricular tachycardia 1. Last evaluated: 2024-12-03. Review status: criteria provided, single submitter. Criteria: Invitae Variant Classification Sherloc (09022015). Collection method: clinical testing. Allele origin: germline.
Comment: This sequence change replaces threonine, which is neutral and polar, with isoleucine, which is neutral and non-polar, at codon 3317 of the RYR2 protein (p.Thr3317Ile). This variant is not present in population databases (gnomAD no frequency). This variant has not been reported in the literature in individuals affected with RYR2-related conditions. Invitae Evidence Modeling of protein sequence and biophysical properties (such as structural, functional, and spatial information, amino acid conservation, physicochemical variation, residue mobility, and thermodynamic stability) indicates that this missense variant is not expected to disrupt RYR2 protein function with a negative predictive value of 95%. In summary, the available evidence is currently insufficient to determine the role of this variant in disease. Therefore, it has been classified as a Variant of Uncertain Significance.